The following is an entry in ClinVar:

NM_000081.4(LYST):c.5862T>G (p.Ile1954Met)

Gene: LYST (lysosomal trafficking regulator; minus strand). Cytogenetic location: 1q42.3.
Variant type: single nucleotide variant.
Coding change: c.5862T>G on transcript NM_000081.4 (MANE Select); coding-DNA position 5862, T replaced by G.
Protein change: p.Ile1954Met; replaces isoleucine 1954 with methionine.
Molecular consequence: missense variant.
Genome position (GRCh38, 1-based): chr1:235,770,220, A>C on the plus strand (T>G on the coding strand, the complement: LYST is on the minus strand). VCF-style: chr1-235770220-A-C. GRCh37 (hg19) VCF-style: chr1-235933520-A-C.
Other names: c.5862T>G, p.Ile1954Met (NM_001301365.1); short protein forms I1954M.
Identifiers: ClinVar variation 4781981 (VCV004781981.1).
Genomic context (GRCh38, chr1:235,770,220, plus strand): 5'-CTGCAAAACCTGACAAGTCAGTAGAAAGTGATGAACCACTTGAGCTTTCAATAACTGCTT[A>C]ATATTAAACATCTGCTGGTGGTGATCTGCTCTGATGAGGACTTCTAGAGCTGCTAGCAAA-3'
Protein context (NP_000072.2, residues 1944-1964): RADHHQQMFN[Ile1954Met]KQLLKAQVVH

ClinVar aggregate classification (germline): Uncertain significance (1 of 4 stars; one submission).

Conditions:
Chédiak-Higashi syndrome (CHS). Also called: Chediak-Higashi Syndrome. Identifiers: Orphanet 167, MedGen C0007965, MONDO:0008963, OMIM 214500.

gnomAD v4.1: 13 of 1,613,750 alleles (0.00081%); highest among the groups gnomAD compares: East Asian, 0.029%; no homozygotes.

Submission:

Labcorp Genetics (formerly Invitae), Labcorp
Classification: Uncertain significance for Chédiak-Higashi syndrome. Last evaluated: 2025-07-08. Review status: criteria provided, single submitter. Criteria: Invitae Variant Classification Sherloc (09022015). Collection method: clinical testing. Allele origin: germline.
Comment: This sequence change replaces isoleucine, which is neutral and non-polar, with methionine, which is neutral and non-polar, at codon 1954 of the LYST protein (p.Ile1954Met). This variant is present in population databases (rs766939862, gnomAD 0.04%). This variant has not been reported in the literature in individuals affected with LYST-related conditions. Invitae Evidence Modeling of protein sequence and biophysical properties (such as structural, functional, and spatial information, amino acid conservation, physicochemical variation, residue mobility, and thermodynamic stability) indicates that this missense variant is expected to disrupt LYST protein function with a positive predictive value of 80%. In summary, the available evidence is currently insufficient to determine the role of this variant in disease. Therefore, it has been classified as a Variant of Uncertain Significance.